The following is an entry in ClinVar:

ClinVar aggregate classification (germline): Uncertain significance. Review status: criteria provided, multiple submitters, no conflicts (2 of 4 stars). 2 submissions from 2 submitters: Uncertain significance (2). Last evaluated 2021-11-23.

Conditions:
Autosomal recessive hypophosphatemic bone disease (HHRH). Also called: Hypophosphatemic rickets with hypercalciuria; HYPERCALCIURIC RICKETS. Identifiers: Orphanet 157215, MedGen C1853271, MONDO:0009431, OMIM 241530.

Allele frequency attached by ClinVar (database versions not stated): gnomAD exomes 0.00003 and 0.00002; gnomAD 0.00006; TOPMed 0.00009; ExAC 0.00003.

Submissions (2):

Fulgent Genetics
Classification: Uncertain significance for Autosomal recessive hypophosphatemic bone disease. Last evaluated: 2021-11-23. Review status: criteria provided, single submitter. Criteria: ACMG Guidelines, 2015. Collection method: clinical testing. Allele origin: unknown.

Labcorp Genetics (formerly Invitae), Labcorp
Classification: Uncertain significance. Last evaluated: 2021-08-26. Review status: criteria provided, single submitter. Criteria: Invitae Variant Classification Sherloc (09022015). Collection method: clinical testing. Allele origin: germline.

NM_001177316.2(SLC34A3):c.704C>T (p.Ala235Val)

Gene: SLC34A3 (solute carrier family 34 member 3; plus strand). Cytogenetic location: 9q34.3.
Variant type: single nucleotide variant.
Coding change: c.704C>T on transcript NM_001177316.2 (MANE Select); coding-DNA position 704, C replaced by T.
Protein change: p.Ala235Val; replaces alanine 235 with valine.
Molecular consequence: missense variant.
Genome position (GRCh38, 1-based): chr9:137,233,352, C>T. VCF-style: chr9-137233352-C-T. GRCh37 (hg19) VCF-style: chr9-140127804-C-T.
Other names: c.704C>T, p.Ala235Val (NM_001177317.2, NM_080877.3); short protein forms A235V.
Identifiers: ClinVar variation 1177503 (VCV001177503.6), dbSNP rs756672024, ClinGen allele CA5364529.